The following is an entry in ClinVar:

ClinVar aggregate classification (germline): Uncertain significance (1 of 4 stars; one submission).

Conditions:
Episodic ataxia type 2 (EA2). Also called: ACETAZOLAMIDE-RESPONSIVE HEREDITARY PAROXYSMAL CEREBELLAR ATAXIA; ATAXIA, EPISODIC, WITH NYSTAGMUS; ATAXIA, FAMILIAL PAROXYSMAL; CEREBELLAR ATAXIA, PAROXYSMAL, ACETAZOLAMIDE-RESPONSIVE; CEREBELLOPATHY, HEREDITARY PAROXYSMAL; EPISODIC ATAXIA, NYSTAGMUS-ASSOCIATED. Identifiers: Orphanet 97, MedGen C1720416, MONDO:0007163, OMIM 108500.
Developmental and epileptic encephalopathy, 42 (DEE42A). Also called: Epileptic encephalopathy, early infantile, 42; DEVELOPMENTAL AND EPILEPTIC ENCEPHALOPATHY 42A; EPILEPTIC ENCEPHALOPATHY, EARLY INFANTILE, 42A. Identifiers: MedGen C4310716, MONDO:0014917, OMIM 617106.

Submission:

Labcorp Genetics (formerly Invitae), Labcorp
Classification: Uncertain significance for Developmental and epileptic encephalopathy, 42; Episodic ataxia type 2. Last evaluated: 2025-08-25. Review status: criteria provided, single submitter. Criteria: Invitae Variant Classification Sherloc (09022015). Collection method: clinical testing. Allele origin: germline.
Comment: This sequence change replaces phenylalanine, which is neutral and non-polar, with tyrosine, which is neutral and polar, at codon 1654 of the CACNA1A protein (p.Phe1654Tyr). This variant is not present in population databases (gnomAD no frequency). This variant has not been reported in the literature in individuals affected with CACNA1A-related conditions. Invitae Evidence Modeling of protein sequence and biophysical properties (such as structural, functional, and spatial information, amino acid conservation, physicochemical variation, residue mobility, and thermodynamic stability) has been performed for this missense variant. However, the output from this modeling did not meet the statistical confidence thresholds required to predict the impact of this variant on CACNA1A protein function. In summary, the available evidence is currently insufficient to determine the role of this variant in disease. Therefore, it has been classified as a Variant of Uncertain Significance.

NM_001127222.2(CACNA1A):c.4958T>A (p.Phe1653Tyr)

Gene: CACNA1A (calcium voltage-gated channel subunit alpha1 A; minus strand). Cytogenetic location: 19p13.13.
Variant type: single nucleotide variant.
Coding change: c.4958T>A on transcript NM_001127222.2 (MANE Select); coding-DNA position 4958, T replaced by A.
Protein change: p.Phe1653Tyr; replaces phenylalanine 1653 with tyrosine.
Molecular consequence: missense variant.
Genome position (GRCh38, 1-based): chr19:13,235,723, A>T on the plus strand (T>A on the coding strand, the complement: CACNA1A is on the minus strand). VCF-style: chr19-13235723-A-T. GRCh37 (hg19) VCF-style: chr19-13346537-A-T.
Other names: c.4976T>A, p.Phe1659Tyr (NM_000068.4, NM_023035.3); c.4961T>A, p.Phe1654Tyr (NM_001127221.2); c.4967T>A, p.Phe1656Tyr (NM_001174080.2); short protein forms F1653Y, F1659Y, F1654Y, F1656Y.
Identifiers: ClinVar variation 4789719 (VCV004789719.1).